The following is an entry in ClinVar:

ClinVar aggregate classification (germline): Likely pathogenic (1 of 4 stars; one submission).

Conditions:
Hereditary spastic paraplegia 11. Also called: Spastic paraplegia, mental retardation and thin corpus callosum; SPASTIC PARAPLEGIA, AUTOSOMAL RECESSIVE, COMPLICATED, WITH THIN CORPUS CALLOSUM; SPASTIC PARAPLEGIA, AUTOSOMAL RECESSIVE, WITH MENTAL IMPAIRMENT AND THIN CORPUS CALLOSUM; Spastic Paraplegia 11; Nakamura Osame syndrome; Autosomal recessive hereditary spastic paraplegia, mental impairment, and thin corpus callosum. Identifiers: Orphanet 2822, MedGen C1858479, MONDO:0011445, OMIM 604360.

Submission:

Labcorp Genetics (formerly Invitae), Labcorp
Classification: Likely pathogenic for Hereditary spastic paraplegia 11. Last evaluated: 2023-02-17. Review status: criteria provided, single submitter. Criteria: Invitae Variant Classification Sherloc (09022015). Collection method: clinical testing. Allele origin: unknown.
Comment: This variant results in the deletion of exon 8-10 and part of exon 11 (c.1603-2866_2146del) of the SPG11 gene. It is expected to disrupt RNA splicing. Variants that disrupt the donor or acceptor splice site typically lead to a loss of protein function (PMID: 16199547), and loss-of-function variants in SPG11 are known to be pathogenic (PMID: 19105190, 20110243, 22154821, 26556829). This variant has not been reported in the literature in individuals affected with SPG11-related conditions. In summary, the currently available evidence indicates that the variant is pathogenic, but additional data are needed to prove that conclusively. Therefore, this variant has been classified as Likely Pathogenic.

Literature cited by the submitters: PubMed 16199547; PubMed 19105190; PubMed 20110243; PubMed 22154821; PubMed 26556829.

NC_000015.9:g.(?_44918627)_(44928701_?)del

Gene: SPG11 (SPG11 vesicle trafficking associated, spatacsin; minus strand). Cytogenetic location: 15q21.1.
Variant type: Deletion.
Identifiers: ClinVar variation 3243799 (VCV003243799.1).